The following is an entry in ClinVar:

NM_002890.3(RASA1):c.693-1G>C

Genes: CCNH (cyclin H; minus strand), RASA1 (RAS p21 protein activator 1; plus strand). Cytogenetic location: 5q14.3.
Variant type: single nucleotide variant.
Coding change: c.693-1G>C on transcript NM_002890.3 (MANE Select); the canonical splice acceptor site of the intron before coding-DNA position 693, G replaced by C.
Molecular consequence: splice acceptor variant. On other transcripts: intron variant (1).
Genome position (GRCh38, 1-based): chr5:87,332,506, G>C. VCF-style: chr5-87332506-G-C. GRCh37 (hg19) VCF-style: chr5-86628323-G-C.
Other names: c.162-1G>C (NM_022650.3); c.934-19711C>G (NM_001364075.2).
Identifiers: ClinVar variation 1806124 (VCV001806124.1), dbSNP rs2531192062, ClinGen allele CA360376831.
Genomic context (GRCh38, chr5:87,332,506, plus strand): 5'-CTTGATTTTTAAAATTGGCTGTAAAGATTTTTTTATACTGTATTTTTTCCTGTTCAAATA[G>C]GATTATTGCTATGTGTGGAGATTACTACATTGGTGGAAGACGTTTTTCTTCACTGTCAGA-3'

ClinVar aggregate classification (germline): Likely pathogenic (1 of 4 stars; one submission).

Conditions:
Capillary malformation-arteriovenous malformation 1 (CMAVM1). Identifiers: Orphanet 137667, Orphanet 693907, MedGen C4747394, MONDO:0020783, OMIM 608354.

Submission:

Victorian Clinical Genetics Services, Murdoch Childrens Research Institute
Classification: Likely pathogenic for Capillary malformation-arteriovenous malformation 1. Last evaluated: 2020-10-19. Review status: criteria provided, single submitter. Criteria: ACMG Guidelines, 2015. Collection method: clinical testing. Allele origin: germline. Inheritance: Autosomal dominant inheritance. Affected: yes.
Comment: Based on the classification scheme VCGS_Germline_v1.3.3, this variant is classified as likely pathogenic. Following criteria are met: 0102 - Loss of function is a known mechanism of disease in this gene and is associated with capillary malformation-arteriovenous malformation 1 (MIM#608354). (I) 0107 - This gene is associated with autosomal dominant disease. However, a second somatic variant is required for the development of capillary lesions (PMID: 24038909; 29891884). (I) 0211 - Canonical splice site variant without proven consequence on splicing (no functional evidence available). (SP) 0251 - This variant is heterozygous. (I) 0301 - Variant is absent from gnomAD (both v2 and v3). (SP) 0505 - Abnormal splicing is predicted by in silico tools and affected nucleotide is highly conserved. (SP) 0705 - No comparable canonical splice variants have previous evidence for pathogenicity. (I) 0807 - This variant has no previous evidence of pathogenicity. (I) 0905 - No published segregation evidence has been identified for this variant. (I) 1007 - No published functional evidence has been identified for this variant. (I) 1101 - Very strong and specific phenotype match for this individual. (SP) 1208 - Inheritance information for this variant is not currently available in this individual. (I) Legend: (SP) - Supporting pathogenic, (I) - Information, (SB) - Supporting benign

Literature cited by the submitters: PubMed 24038909; PubMed 29891884.